The following is an entry in ClinVar:

ClinVar aggregate classification (germline): Uncertain significance (1 of 4 stars; one submission).

Conditions:
Capillary malformation-arteriovenous malformation syndrome. Also called: Capillary malformation-arteriovenous malformation. Identifiers: Orphanet 137667, MedGen C1842180, MONDO:0012016.

Allele frequency attached by ClinVar (database versions not stated): gnomAD exomes below 0.00001.
gnomAD v4.1: 2 of 1,611,822 alleles (0.00012%); highest among the groups gnomAD compares: East Asian, 0.0045%; no homozygotes.

Submission:

Labcorp Genetics (formerly Invitae), Labcorp
Classification: Uncertain significance for Capillary malformation-arteriovenous malformation syndrome. Last evaluated: 2024-01-09. Review status: criteria provided, single submitter. Criteria: Invitae Variant Classification Sherloc (09022015). Collection method: clinical testing. Allele origin: germline.
Comment: This sequence change replaces isoleucine, which is neutral and non-polar, with valine, which is neutral and non-polar, at codon 755 of the RASA1 protein (p.Ile755Val). This variant is present in population databases (no rsID available, gnomAD 0.006%). This variant has not been reported in the literature in individuals affected with RASA1-related conditions. ClinVar contains an entry for this variant (Variation ID: 1405629). An algorithm developed to predict the effect of missense changes on protein structure and function (PolyPhen-2) suggests that this variant is likely to be tolerated. In summary, the available evidence is currently insufficient to determine the role of this variant in disease. Therefore, it has been classified as a Variant of Uncertain Significance.

NM_002890.3(RASA1):c.2263A>G (p.Ile755Val)

Genes: CCNH (cyclin H; minus strand), RASA1 (RAS p21 protein activator 1; plus strand). Cytogenetic location: 5q14.3.
Variant type: single nucleotide variant.
Coding change: c.2263A>G on transcript NM_002890.3 (MANE Select); coding-DNA position 2263, A replaced by G.
Protein change: p.Ile755Val; replaces isoleucine 755 with valine.
Molecular consequence: missense variant. On other transcripts: intron variant (1).
Genome position (GRCh38, 1-based): chr5:87,376,959, A>G. VCF-style: chr5-87376959-A-G. GRCh37 (hg19) VCF-style: chr5-86672776-A-G.
Other names: c.1732A>G, p.Ile578Val (NM_022650.3); c.933+18085T>C (NM_001364075.2); short protein forms I755V, I578V.
Identifiers: ClinVar variation 1405629 (VCV001405629.44), dbSNP rs1180041614, ClinGen allele CA360380661.
Genomic context (GRCh38, chr5:87,376,959, plus strand): 5'-CTTCATGTAGTCTATGCTTTATCACATGTATGTGGACAAGACCGAACACTACTGGCCAGC[A>G]TCCTACTGAGGATTTTTCTTCACGAAAAGCTTGAATCGTTGTTGTTATGCACACTAAATG-3'
Protein context (NP_002881.1, residues 745-765): CGQDRTLLAS[Ile755Val]LLRIFLHEKL